The following is an entry in ClinVar:

ClinVar aggregate classification (germline): Likely benign. Review status: criteria provided, multiple submitters, no conflicts (2 of 4 stars). 4 submissions from 4 submitters: Likely benign (4). Last evaluated 2025-11-17.

Conditions:
Multiple endocrine neoplasia, type 1 (MEN1). Also called: MEA I; MEN I; WERMER SYNDROME; Endocrine adenomatosis multiple; MEN 1. Identifiers: Orphanet 652, MedGen C0025267, MeSH D018761, MONDO:0007540, OMIM 131100.
Hereditary cancer-predisposing syndrome. Also called: Hereditary Cancer Syndrome; Hereditary neoplastic syndrome; Tumor predisposition; Neoplastic Syndromes, Hereditary. Identifiers: Orphanet 140162, MedGen C0027672, MeSH D009386, MONDO:0015356.

Allele frequency attached by ClinVar (database versions not stated): gnomAD exomes below 0.00001; ExAC 0.00001.
gnomAD v4.1: 2 of 1,614,136 alleles (0.00012%); highest among the groups gnomAD compares: Non-Finnish European, 0.00017%; no homozygotes.

Submissions (4):

Labcorp Genetics (formerly Invitae), Labcorp
Classification: Likely benign for Multiple endocrine neoplasia, type 1. Last evaluated: 2025-11-17. Review status: criteria provided, single submitter. Criteria: Invitae Variant Classification Sherloc (09022015). Collection method: clinical testing. Allele origin: germline.

Myriad Genetics, Inc.
Classification: Likely benign for Multiple endocrine neoplasia, type 1. Last evaluated: 2024-11-04. Review status: criteria provided, single submitter. Criteria: Myriad Autosomal Dominant, Autosomal Recessive and X-Linked Classification Criteria (2023). Collection method: clinical testing. Allele origin: unknown.
Comment: This variant is considered likely benign. This variant is intronic and is not expected to impact mRNA splicing.

Ambry Genetics
Classification: Likely benign for Hereditary cancer-predisposing syndrome. Last evaluated: 2024-07-08. Review status: criteria provided, single submitter. Criteria: Ambry Variant Classification Scheme 2023. Collection method: clinical testing. Allele origin: germline.

ARUP Laboratories, Molecular Genetics and Genomics, ARUP Laboratories
Classification: Likely benign. Last evaluated: 2016-10-14. Review status: criteria provided, single submitter. Criteria: ARUP Molecular Germline Variant Investigation Process. Collection method: clinical testing. Allele origin: germline.

NM_001370259.2(MEN1):c.913-4C>T

Gene: MEN1 (menin 1; minus strand). Cytogenetic location: 11q13.1.
Variant type: single nucleotide variant.
Coding change: c.913-4C>T on transcript NM_001370259.2 (MANE Select); 4 bases into the intron before coding-DNA position 913, C replaced by T.
Molecular consequence: intron variant.
Genome position (GRCh38, 1-based): chr11:64,806,372, G>A on the plus strand (C>T on the coding strand, the complement: MEN1 is on the minus strand). VCF-style: chr11-64806372-G-A. GRCh37 (hg19) VCF-style: chr11-64573844-G-A.
Other names: c.928-4C>T (NM_130804.3, NM_130803.3, NM_000244.4 and 3 more transcripts); c.913-4C>T (NM_130799.3, NM_001370260.2, NM_001370251.2 and 1 more transcripts); c.808-4C>T (NM_001370263.2, NM_001370262.2).
Identifiers: ClinVar variation 439890 (VCV000439890.20), dbSNP rs770413697, ClinGen allele CA061834.
Genomic context (GRCh38, chr11:64,806,372, plus strand): 5'-GTACATGTAGGGGTAGATGTGTTCATCCCGATAGTAGGTCTTGGCTGAGGCAATGCCCTG[G>A]ATGGAGGTGAGGCAGAGGATCCTCAGGGAGGCAGCCCCAGCTGCCCTGCTGGCACAAATG-3'